The following is an entry in ClinVar:

NM_006899.5(IDH3B):c.208G>C (p.Val70Leu)

Gene: IDH3B (isocitrate dehydrogenase (NAD(+)) 3 non-catalytic subunit beta; minus strand). Cytogenetic location: 20p13.
Variant type: single nucleotide variant.
Coding change: c.208G>C on transcript NM_006899.5 (MANE Select); coding-DNA position 208, G replaced by C.
Protein change: p.Val70Leu; replaces valine 70 with leucine.
Molecular consequence: missense variant. On other transcripts: non-coding transcript variant (1).
Genome position (GRCh38, 1-based): chr20:2,663,668, C>G on the plus strand (G>C on the coding strand, the complement: IDH3B is on the minus strand). VCF-style: chr20-2663668-C-G. GRCh37 (hg19) VCF-style: chr20-2644314-C-G.
Other names: c.208G>C, p.Val70Leu (NM_001258384.3, NM_001330763.2, NM_174855.4); short protein forms V70L.
Identifiers: ClinVar variation 2014852 (VCV002014852.4), dbSNP rs1163098603, ClinGen allele CA408040101.

ClinVar aggregate classification (germline): Uncertain significance (1 of 4 stars; one submission).

Submission:

Labcorp Genetics (formerly Invitae), Labcorp
Classification: Uncertain significance. Last evaluated: 2022-07-07. Review status: criteria provided, single submitter. Criteria: Invitae Variant Classification Sherloc (09022015). Collection method: clinical testing. Allele origin: germline.
Comment: In summary, the available evidence is currently insufficient to determine the role of this variant in disease. Therefore, it has been classified as a Variant of Uncertain Significance. Algorithms developed to predict the effect of missense changes on protein structure and function are either unavailable or do not agree on the potential impact of this missense change (SIFT: "Not Available"; PolyPhen-2: "Probably Damaging"; Align-GVGD: "Not Available"). This variant has not been reported in the literature in individuals affected with IDH3B-related conditions. This variant is not present in population databases (gnomAD no frequency). This sequence change replaces valine, which is neutral and non-polar, with leucine, which is neutral and non-polar, at codon 70 of the IDH3B protein (p.Val70Leu).